The following is an entry in ClinVar:

NM_006886.4(ATP5F1E):c.23C>T (p.Ala8Val)

Genes: ATP5F1E (ATP synthase F1 subunit epsilon; minus strand), SLMO2-ATP5E (SLMO2-ATP5E readthrough; minus strand), LOC130066277 (ATAC-STARR-seq lymphoblastoid active region 18187; plus strand). Cytogenetic location: 20q13.32.
Variant type: single nucleotide variant.
Coding change: c.23C>T on transcript NM_006886.4 (MANE Select); coding-DNA position 23, C replaced by T.
Protein change: p.Ala8Val; replaces alanine 8 with valine.
Molecular consequence: missense variant.
Genome position (GRCh38, 1-based): chr20:59,032,229, G>A on the plus strand (C>T on the coding strand, the complement: ATP5F1E is on the minus strand). VCF-style: chr20-59032229-G-A. GRCh37 (hg19) VCF-style: chr20-57607284-G-A.
Other names: c.23C>T, p.Ala8Val (NM_001001977.1); short protein forms A8V.
Identifiers: ClinVar variation 2889547 (VCV002889547.3), dbSNP rs536830751, ClinGen allele CA9928775.

ClinVar aggregate classification (germline): Uncertain significance (1 of 4 stars; one submission).

Allele frequency attached by ClinVar (database versions not stated): gnomAD 0.00003; TOPMed 0.00003; ExAC 0.00005; 1000 Genomes Project 0.00040; 1000 Genomes Project 30x 0.00062.
gnomAD v4.1: 57 of 1,594,114 alleles (0.0036%); highest among the groups gnomAD compares: Middle Eastern, 0.017%; no homozygotes.

Submission:

Labcorp Genetics (formerly Invitae), Labcorp
Classification: Uncertain significance. Last evaluated: 2024-09-03. Review status: criteria provided, single submitter. Criteria: Invitae Variant Classification Sherloc (09022015). Collection method: clinical testing. Allele origin: germline.
Comment: This sequence change replaces alanine, which is neutral and non-polar, with valine, which is neutral and non-polar, at codon 8 of the ATP5E protein (p.Ala8Val). The frequency data for this variant in the population databases is considered unreliable, as metrics indicate poor data quality at this position in the gnomAD database. This variant has not been reported in the literature in individuals affected with ATP5E-related conditions. An algorithm developed to predict the effect of missense changes on protein structure and function (PolyPhen-2) suggests that this variant is likely to be disruptive. In summary, the available evidence is currently insufficient to determine the role of this variant in disease. Therefore, it has been classified as a Variant of Uncertain Significance.